The following is an entry in ClinVar:

ClinVar aggregate classification (germline): Uncertain significance (1 of 4 stars; one submission).

Allele frequency attached by ClinVar (database versions not stated): gnomAD 0.00001; gnomAD exomes 0.00001; TOPMed 0.00001.
gnomAD v4.1: 9 of 1,613,740 alleles (0.00056%); highest among the groups gnomAD compares: Middle Eastern, 0.016%; no homozygotes.

Submission:

Labcorp Genetics (formerly Invitae), Labcorp
Classification: Uncertain significance. Last evaluated: 2024-01-08. Review status: criteria provided, single submitter. Criteria: Invitae Variant Classification Sherloc (09022015). Collection method: clinical testing. Allele origin: germline.
Comment: This sequence change replaces arginine, which is basic and polar, with histidine, which is basic and polar, at codon 171 of the XPR1 protein (p.Arg171His). This variant is present in population databases (no rsID available, gnomAD 0.003%). This variant has not been reported in the literature in individuals affected with XPR1-related conditions. ClinVar contains an entry for this variant (Variation ID: 1499485). Advanced modeling of protein sequence and biophysical properties (such as structural, functional, and spatial information, amino acid conservation, physicochemical variation, residue mobility, and thermodynamic stability) performed at Invitae indicates that this missense variant is not expected to disrupt XPR1 protein function with a negative predictive value of 80%. In summary, the available evidence is currently insufficient to determine the role of this variant in disease. Therefore, it has been classified as a Variant of Uncertain Significance.

NM_004736.4(XPR1):c.512G>A (p.Arg171His)

Gene: XPR1 (xenotropic and polytropic retrovirus receptor 1; plus strand). Cytogenetic location: 1q25.3.
Variant type: single nucleotide variant.
Coding change: c.512G>A on transcript NM_004736.4 (MANE Select); coding-DNA position 512, G replaced by A.
Protein change: p.Arg171His; replaces arginine 171 with histidine.
Molecular consequence: missense variant. On other transcripts: non-coding transcript variant (1).
Genome position (GRCh38, 1-based): chr1:180,806,126, G>A. VCF-style: chr1-180806126-G-A. GRCh37 (hg19) VCF-style: chr1-180775262-G-A.
Other names: c.512G>A, p.Arg171His (NM_001135669.2, NM_001328662.2); short protein forms R171H.
Identifiers: ClinVar variation 1499485 (VCV001499485.8), dbSNP rs964592622, ClinGen allele CA34131223.